The following is an entry in ClinVar:

NM_000443.4(ABCB4):c.1295G>T (p.Gly432Val)

Gene: ABCB4 (ATP binding cassette subfamily B member 4; minus strand). Cytogenetic location: 7q21.12.
Variant type: single nucleotide variant.
Coding change: c.1295G>T on transcript NM_000443.4 (MANE Select); coding-DNA position 1295, G replaced by T.
Protein change: p.Gly432Val; replaces glycine 432 with valine.
Molecular consequence: missense variant.
Genome position (GRCh38, 1-based): chr7:87,443,380, C>A on the plus strand (G>T on the coding strand, the complement: ABCB4 is on the minus strand). VCF-style: chr7-87443380-C-A. GRCh37 (hg19) VCF-style: chr7-87072696-C-A.
Other names: c.1295G>T, p.Gly432Val (NM_018849.3, NM_018850.3); short protein forms G432V.
Identifiers: ClinVar variation 4292727 (VCV004292727.1).
Genomic context (GRCh38, chr7:87,443,380, plus strand): 5'-GTGCCCTCATCAGGGTCATAGAGCCTCTGTATCAGCTGGACCGTTGTGCTCTTCCCACAG[C>A]CACTACTTCCAACCAGGGCCACCGTCTGCCCACTCTGCACCTTCAGGTTGAGGCCCTTCA-3'
Protein context (NP_000434.1, residues 422-442): GQTVALVGSS[Gly432Val]CGKSTTVQLI

ClinVar aggregate classification (germline): Uncertain significance (1 of 4 stars; one submission).

Conditions:
Progressive familial intrahepatic cholestasis type 3. Also called: MDR3 DEFICIENCY; Low Gamma-GT Familial Intrahepatic Cholestasis. Identifiers: Orphanet 79305, MedGen C1865643, MONDO:0011214, OMIM 602347.

Submission:

3billion
Classification: Uncertain significance for Progressive familial intrahepatic cholestasis type 3. Last evaluated: 2024-08-08. Review status: criteria provided, single submitter. Criteria: ACMG Guidelines, 2015. Collection method: clinical testing. Allele origin: germline. Affected: yes.
Comment: The variant is not observed in the gnomAD v4.0.0 dataset. Predicted Consequence/Location: Missense variant In silico tool predictions suggest damaging effect of the variant on gene or gene product [REVEL: 0.98 (>=0.6, sensitivity 0.68 and specificity 0.92); 3Cnet: 0.88 (>=0.6, sensitivity 0.72 and precision 0.9)]. Therefore, this variant is classified as VUS according to the recommendation of ACMG/AMP guideline.